The following is an entry in ClinVar:

ClinVar aggregate classification (germline): Likely pathogenic. Review status: criteria provided, multiple submitters, no conflicts (2 of 4 stars). 2 submissions from 2 submitters: Likely pathogenic (2). Last evaluated 2024-09-04.

Conditions:
Smith-Lemli-Opitz syndrome (SLOS). Also called: LETHAL ACRODYSGENITAL SYNDROME; POLYDACTYLY, SEX REVERSAL, RENAL HYPOPLASIA, AND UNILOBAR LUNG; RSH SYNDROME; RUTLEDGE LETHAL MULTIPLE CONGENITAL ANOMALY SYNDROME; 7-Dehydrocholesterol reductase deficiency. Identifiers: Orphanet 818, MedGen C0175694, MONDO:0010035, OMIM 270400.

Submissions (2):

Natera, Inc.
Classification: Likely pathogenic for Smith-Lemli-Opitz syndrome. Last evaluated: 2024-09-04. Review status: criteria provided, single submitter. Criteria: Natera Variant Classification Schema (03/2026). Collection method: clinical testing. Allele origin: germline.
Comment: The c.630del variant in DHCR7 is a frameshift variant predicted to shift the reading frame beginning at codon 210 and leads to a stop codon 11 codons downstream. This variant is expected to result in nonsense mediated decay, truncation, or a dysfunctional protein product. This variant is rare in the general population with a frequency below the threshold expected for the associated phenotype(s). Given the available evidence, this variant is classified as Likely Pathogenic.

Myriad Genetics, Inc.
Classification: Likely pathogenic for Smith-Lemli-Opitz syndrome. Last evaluated: 2022-01-22. Review status: criteria provided, single submitter. Criteria: Myriad Women's Health Autosomal Recessive and X-Linked Classification Criteria (2021). Collection method: clinical testing. Allele origin: unknown.
Comment: NM_001360.2(DHCR7):c.630delA(K210Nfs*11) is expected to be pathogenic in the context of Smith-Lemli-Opitz syndrome. This variant is predicted to lead to an abnormal or absent protein product due to the creation of a premature termination codon in DHCR7, a gene where loss-of-function variants are known to be pathogenic. Please note: this variant was assessed in the context of healthy population screening.

NM_001360.3(DHCR7):c.630del (p.Lys210fs)

Gene: DHCR7 (7-dehydrocholesterol reductase; minus strand). Cytogenetic location: 11q13.4.
Variant type: Deletion.
Coding change: c.630del on transcript NM_001360.3 (MANE Select); coding-DNA position 630, one base deleted (A; older notation c.630delA).
Protein change: p.Lys210fs; shifts the reading frame from lysine 210.
Molecular consequence: frameshift variant.
Genome position (GRCh38, 1-based): chr11:71,439,080, T deleted on the plus strand (A on the coding strand, the reverse complement: DHCR7 is on the minus strand); the first of 3 consecutive T bases (chr11:71,439,080-71,439,082); deleting any one gives the same sequence. VCF-style (leftmost placement, unchanged base first): chr11-71439079-AT-A. GRCh37 (hg19) VCF-style: chr11-71150125-AT-A.
Other names: c.630del (NM_001360.2); c.630del, p.Lys210fs (NM_001163817.2); c.628delA, p.Lys210Asnfs (NM_001360.2); short protein forms K210fs.
Identifiers: ClinVar variation 1723988 (VCV001723988.3), dbSNP rs2539221960, ClinGen allele CA2580084849.